The following is an entry in ClinVar:

NM_133497.4(KCNV2):c.1083A>G (p.Gln361=)

Gene: KCNV2 (potassium voltage-gated channel modifier subfamily V member 2; plus strand). Cytogenetic location: 9p24.2.
Variant type: single nucleotide variant.
Coding change: c.1083A>G on transcript NM_133497.4 (MANE Select); coding-DNA position 1083, A replaced by G.
Protein change: p.Gln361=; no amino-acid change (glutamine 361 retained).
Molecular consequence: synonymous variant.
Genome position (GRCh38, 1-based): chr9:2,718,822, A>G. VCF-style: chr9-2718822-A-G. GRCh37 (hg19) VCF-style: chr9-2718822-A-G.
Identifiers: ClinVar variation 96356 (VCV000096356.45), dbSNP rs142744007, ClinGen allele CA149455.

ClinVar aggregate classification (germline): Benign/Likely benign. Review status: criteria provided, multiple submitters, no conflicts (2 of 4 stars). 7 submissions from 7 submitters: Benign (6); Likely benign (1). Last evaluated 2026-01-27.

Conditions:
Cone dystrophy with supernormal rod response (CDSRR). Also called: CONE DYSTROPHY WITH SUPERNORMAL ROD RESPONSES. Identifiers: Orphanet 209932, MedGen C1835897, MONDO:0012475, OMIM 610356.

Allele frequency attached by ClinVar (database versions not stated): 1000 Genomes Project 0.00359; 1000 Genomes Project 30x 0.00375; gnomAD 0.00707 and 0.00709; TOPMed 0.00714; ExAC 0.00819; ESP Exome Variant Server 0.00823; gnomAD exomes 0.00842.
gnomAD v4.1: 15,206 of 1,609,906 alleles (0.94%); highest among the groups gnomAD compares: Middle Eastern, 2.1%; 90 homozygotes.

Submissions (7):

Labcorp Genetics (formerly Invitae), Labcorp
Classification: Benign. Last evaluated: 2026-01-27. Review status: criteria provided, single submitter. Criteria: Invitae Variant Classification Sherloc (09022015). Collection method: clinical testing. Allele origin: germline.

CeGaT Center for Human Genetics Tuebingen
Classification: Benign. Last evaluated: 2025-01-01. Review status: criteria provided, single submitter. Criteria: CeGaT Center For Human Genetics Tuebingen Variant Classification Criteria Version 2. Collection method: clinical testing. Allele origin: germline. Affected: yes. Observed: 3 variant alleles.
Comment: KCNV2: BP4, BP7, BS1, BS2

Fulgent Genetics
Classification: Likely benign for Cone dystrophy with supernormal rod response. Last evaluated: 2021-09-29. Review status: criteria provided, single submitter. Criteria: ACMG Guidelines, 2015. Collection method: clinical testing. Allele origin: unknown.

Illumina Laboratory Services, Illumina
Classification: Benign for Cone dystrophy with supernormal rod response. Last evaluated: 2018-01-12. Review status: criteria provided, single submitter. Criteria: ICSL Variant Classification Criteria 13 December 2019. Collection method: clinical testing. Allele origin: germline.
Comment: This variant was observed in the ICSL laboratory as part of a predisposition screen in an ostensibly healthy population. It had not been previously curated by ICSL or reported in the Human Gene Mutation Database (HGMD: prior to June 1st, 2018), and was therefore a candidate for classification through an automated scoring system. Utilizing variant allele frequency, disease prevalence and penetrance estimates, and inheritance mode, an automated score was calculated to assess if this variant is too frequent to cause the disease. Based on the score and internal cut-off values, a variant classified as benign is not then subjected to further curation. The score for this variant resulted in a classification of benign for this disease.

Eurofins Ntd Llc (ga)
Classification: Benign. Last evaluated: 2013-09-20. Review status: criteria provided, single submitter. Criteria: EGL Classification Definitions 2015. Collection method: clinical testing. Allele origin: germline. Observed: 1 variant allele, 1 heterozygote.

Breakthrough Genomics
Classification: Benign. Review status: criteria provided, single submitter. Criteria: ACMG Guidelines, 2015. Collection method: not provided. Allele origin: germline. Inheritance: Autosomal recessive inheritance. Affected: yes.

PreventionGenetics, part of Exact Sciences
Classification: Benign. Review status: criteria provided, single submitter. Criteria: ACMG Guidelines, 2015. Collection method: clinical testing. Allele origin: germline.